The following is an entry in ClinVar:

NM_000260.4(MYO7A):c.3637C>G (p.Arg1213Gly)

Gene: MYO7A (myosin VIIA; plus strand). Cytogenetic location: 11q13.5.
Variant type: single nucleotide variant.
Coding change: c.3637C>G on transcript NM_000260.4 (MANE Select); coding-DNA position 3637, C replaced by G.
Protein change: p.Arg1213Gly; replaces arginine 1213 with glycine.
Molecular consequence: missense variant.
Genome position (GRCh38, 1-based): chr11:77,190,026, C>G. VCF-style: chr11-77190026-C-G. GRCh37 (hg19) VCF-style: chr11-76901071-C-G.
Other names: c.3637C>G, p.Arg1213Gly (NM_001127180.2); c.3604C>G, p.Arg1202Gly (NM_001369365.1); short protein forms R1202G, R1213G.
Identifiers: ClinVar variation 4527968 (VCV004527968.1).

ClinVar aggregate classification (germline): Uncertain significance (1 of 4 stars; one submission).

gnomAD v4.1: 2 of 1,549,814 alleles (0.00013%); highest among the groups gnomAD compares: South Asian, 0.0012%; no homozygotes.

Submission:

GeneDx
Classification: Uncertain significance. Last evaluated: 2025-05-08. Review status: criteria provided, single submitter. Criteria: GeneDx Variant Classification Process June 2021. Collection method: clinical testing. Allele origin: germline. Affected: yes.
Comment: Not observed at significant frequency in large population cohorts (gnomAD); In silico analysis supports that this missense variant has a deleterious effect on protein structure/function; Has not been previously published as pathogenic or benign to our knowledge